The following is an entry in ClinVar:

NM_002691.4(POLD1):c.3219-9C>G

Gene: POLD1 (DNA polymerase delta 1, catalytic subunit; plus strand). Cytogenetic location: 19q13.33.
Variant type: single nucleotide variant.
Coding change: c.3219-9C>G on transcript NM_002691.4 (MANE Select); 9 bases into the intron before coding-DNA position 3219, C replaced by G.
Molecular consequence: intron variant.
Genome position (GRCh38, 1-based): chr19:50,417,833, C>G. VCF-style: chr19-50417833-C-G. GRCh37 (hg19) VCF-style: chr19-50921090-C-G.
Other names: c.3219-9C>G (NM_001256849.1); c.3297-9C>G (NM_001308632.1).
Identifiers: ClinVar variation 1400323 (VCV001400323.8), dbSNP rs1410703949, ClinGen allele CA2573156789.

ClinVar aggregate classification (germline): Uncertain significance (1 of 4 stars; one submission).

Conditions:
POLD1-related polyposis and colorectal cancer syndrome (CRCS10). Also called: Colorectal cancer, susceptibility to, 10; Colorectal cancer 10; COLORECTAL CANCER, SUSCEPTIBILITY TO, ON CHROMOSOME 19q. Identifiers: Orphanet 220460, MedGen C2675481, MONDO:0012953, OMIM 612591.

Submission:

Labcorp Genetics (formerly Invitae), Labcorp
Classification: Uncertain significance for POLD1-related polyposis and colorectal cancer syndrome. Last evaluated: 2021-06-13. Review status: criteria provided, single submitter. Criteria: Invitae Variant Classification Sherloc (09022015). Collection method: clinical testing. Allele origin: germline.
Comment: This sequence change falls in intron 26 of the POLD1 gene. It does not directly change the encoded amino acid sequence of the POLD1 protein. This variant is not present in population databases (ExAC no frequency). This variant has not been reported in the literature in individuals with POLD1-related conditions. Algorithms developed to predict the effect of sequence changes on RNA splicing suggest that this variant may disrupt the consensus splice site, but this prediction has not been confirmed by published transcriptional studies. In summary, the available evidence is currently insufficient to determine the role of this variant in disease. Therefore, it has been classified as a Variant of Uncertain Significance.